The following is an entry in ClinVar:

ClinVar aggregate classification (germline): Uncertain significance. Review status: criteria provided, multiple submitters, no conflicts (2 of 4 stars). 2 submissions from 2 submitters: Uncertain significance (2). Last evaluated 2023-09-11.

Conditions:
RASopathy. Also called: rasopathies; Noonan spectrum disorder. Identifiers: Orphanet 536391, MedGen C5555857, MONDO:0021060.

Submissions (2):

Labcorp Genetics (formerly Invitae), Labcorp
Classification: Uncertain significance for RASopathy. Last evaluated: 2023-09-11. Review status: criteria provided, single submitter. Criteria: Invitae Variant Classification Sherloc (09022015). Collection method: clinical testing. Allele origin: germline.
Comment: This sequence change replaces aspartic acid, which is acidic and polar, with glycine, which is neutral and non-polar, at codon 33 of the KRAS protein (p.Asp33Gly). This variant is not present in population databases (gnomAD no frequency). This variant has not been reported in the literature in individuals affected with KRAS-related conditions. ClinVar contains an entry for this variant (Variation ID: 2506804). Advanced modeling of protein sequence and biophysical properties (such as structural, functional, and spatial information, amino acid conservation, physicochemical variation, residue mobility, and thermodynamic stability) performed at Invitae indicates that this missense variant is expected to disrupt KRAS protein function. In summary, the available evidence is currently insufficient to determine the role of this variant in disease. Therefore, it has been classified as a Variant of Uncertain Significance.

GeneDx
Classification: Uncertain significance. Last evaluated: 2022-12-19. Review status: criteria provided, single submitter. Criteria: GeneDx Variant Classification Process June 2021. Collection method: clinical testing. Allele origin: germline. Affected: yes.
Comment: Missense variants in this gene are often considered pathogenic (HGMD); In silico analysis supports that this missense variant has a deleterious effect on protein structure/function; Not observed at significant frequency in large population cohorts (gnomAD); Has not been previously published as pathogenic or benign to our knowledge

NM_004985.5(KRAS):c.98A>G (p.Asp33Gly)

Gene: KRAS (KRAS proto-oncogene, GTPase; minus strand). Cytogenetic location: 12p12.1.
Variant type: single nucleotide variant.
Coding change: c.98A>G on transcript NM_004985.5 (MANE Select); coding-DNA position 98, A replaced by G.
Protein change: p.Asp33Gly; replaces aspartic acid 33 with glycine.
Molecular consequence: missense variant.
Genome position (GRCh38, 1-based): chr12:25,245,287, T>C on the plus strand (A>G on the coding strand, the complement: KRAS is on the minus strand). VCF-style: chr12-25245287-T-C. GRCh37 (hg19) VCF-style: chr12-25398221-T-C.
Other names: c.98A>G, p.Asp33Gly (NM_001369786.1, NM_001369787.1, NM_033360.4); short protein forms D33G.
Identifiers: ClinVar variation 2506804 (VCV002506804.4), dbSNP rs2135805772, ClinGen allele CA384157247.